The following is an entry in ClinVar:

ClinVar aggregate classification (germline): Uncertain significance. Review status: criteria provided, multiple submitters, no conflicts (2 of 4 stars). 2 submissions from 2 submitters: Uncertain significance (2). Last evaluated 2026-02-16.

Conditions:
Hereditary cancer-predisposing syndrome. Also called: Neoplastic Syndromes, Hereditary; Tumor predisposition; Hereditary neoplastic syndrome; Hereditary Cancer Syndrome. Identifiers: Orphanet 140162, MedGen C0027672, MeSH D009386, MONDO:0015356.

gnomAD v4.1: 1 of 1,613,478 alleles (0.000062%); highest among the groups gnomAD compares: African/African-American, 0.0013%; no homozygotes.

Submissions (2):

Ambry Genetics
Classification: Uncertain significance for Hereditary cancer-predisposing syndrome. Last evaluated: 2026-02-16. Review status: criteria provided, single submitter. Criteria: Ambry Variant Classification Scheme 2023. Collection method: clinical testing. Allele origin: germline.
Comment: The p.G10D variant (also known as c.29G>A), located in coding exon 2 of the SDHC gene, results from a G to A substitution at nucleotide position 29. The glycine at codon 10 is replaced by aspartic acid, an amino acid with similar properties. This amino acid position is highly conserved in available vertebrate species. In addition, this alteration is predicted to be deleterious by in silico analysis. Based on the available evidence, the clinical significance of this variant remains unclear.

GeneDx
Classification: Uncertain significance. Last evaluated: 2024-11-18. Review status: criteria provided, single submitter. Criteria: GeneDx Variant Classification Process June 2021. Collection method: clinical testing. Allele origin: germline. Affected: yes.
Comment: Not observed at significant frequency in large population cohorts (gnomAD); In silico analysis supports that this missense variant has a deleterious effect on protein structure/function; Has not been previously published as pathogenic or benign to our knowledge

NM_003001.5(SDHC):c.29G>A (p.Gly10Asp)

Gene: SDHC (succinate dehydrogenase complex subunit C; plus strand). Cytogenetic location: 1q23.3.
Variant type: single nucleotide variant.
Coding change: c.29G>A on transcript NM_003001.5 (MANE Select); coding-DNA position 29, G replaced by A.
Protein change: p.Gly10Asp; replaces glycine 10 with aspartic acid.
Molecular consequence: missense variant. On other transcripts: 5 prime UTR variant (2), non-coding transcript variant (1), intron variant (4).
Genome position (GRCh38, 1-based): chr1:161,323,622, G>A. VCF-style: chr1-161323622-G-A. GRCh37 (hg19) VCF-style: chr1-161293412-G-A.
Other names: c.-201G>A (NM_001407120.1); c.21-4774G>A (NM_001407116.1, NM_001407121.1, NM_001407117.1); c.20+9197G>A (NM_001035513.3); c.29G>A, p.Gly10Asp (NM_001035511.3, NM_001035512.3, NM_001278172.3 and 2 more transcripts); c.-83G>A (NM_001407119.1); short protein forms G10D.
Identifiers: ClinVar variation 3899693 (VCV003899693.2).
Genomic context (GRCh38, chr1:161,323,622, plus strand): 5'-ACTAAAGTTGATCTCTAAATGTGTATTGATTTTTGATTCTCTTATCTTGCAGACACGTTG[G>A]TCGTCATTGCCTCCGAGCCCACTTTAGCCCTCAGCTCTGTATCAGAAAGTAAGTTTCTAA-3'
Protein context (NP_002992.1, residues 1-20): MAALLLRHV[Gly10Asp]RHCLRAHFSP